The following is an entry in ClinVar:

NM_003325.4(HIRA):c.2439A>G (p.Leu813=)

Gene: HIRA (histone cell cycle regulator; minus strand). Cytogenetic location: 22q11.21.
Variant type: single nucleotide variant.
Coding change: c.2439A>G on transcript NM_003325.4 (MANE Select); coding-DNA position 2439, A replaced by G.
Protein change: p.Leu813=; no amino-acid change (leucine 813 retained).
Molecular consequence: synonymous variant.
Genome position (GRCh38, 1-based): chr22:19,356,246, T>C on the plus strand (A>G on the coding strand, the complement: HIRA is on the minus strand). VCF-style: chr22-19356246-T-C. GRCh37 (hg19) VCF-style: chr22-19343769-T-C.
Identifiers: ClinVar variation 727503 (VCV000727503.24), dbSNP rs1136028, ClinGen allele CA10099382.
Genomic context (GRCh38, chr22:19,356,246, plus strand): 5'-CTTGGGCCCCCAAAAGAGTAGGGACAGCCTGTTGCCTGCATTACCTGCCAGGATGGAGTG[T>C]AGAGACTCTTCTTTCACCACAACCACCTGTCTGTGAACATCCCTAGGAGGGAGACAGGGA-3'
Protein context (NP_003316.3, residues 803-823): RQVVVVKEES[Leu813=]HSILAGSDMT

ClinVar aggregate classification (germline): Benign/Likely benign. Review status: criteria provided, multiple submitters, no conflicts (2 of 4 stars). 3 submissions from 3 submitters: Benign (1); Likely benign (1). 1 of the submissions does not count toward it. Last evaluated 2026-05-01.

Conditions:
HIRA-related disorder.

Allele frequency attached by ClinVar (database versions not stated): gnomAD exomes 0.00030 and 0.00085; ExAC 0.00108; 1000 Genomes Project 0.00200; 1000 Genomes Project 30x 0.00265; ESP Exome Variant Server 0.00277; gnomAD 0.00350 and 0.00379; TOPMed 0.00383.
gnomAD v4.1: 975 of 1,614,056 alleles (0.06%); highest among the groups gnomAD compares: African/African-American, 1.2%; 5 homozygotes.

Submissions (3):

CeGaT Center for Human Genetics Tuebingen
Classification: Likely benign. Last evaluated: 2026-05-01. Review status: criteria provided, single submitter. Criteria: CeGaT Center For Human Genetics Tuebingen Variant Classification Criteria Version 2. Collection method: clinical testing. Allele origin: germline. Affected: yes. Observed: 2 variant alleles.
Comment: HIRA: BP4, BP7, BS1

Labcorp Genetics (formerly Invitae), Labcorp
Classification: Benign. Last evaluated: 2018-12-13. Review status: criteria provided, single submitter. Criteria: Invitae Variant Classification Sherloc (09022015). Collection method: clinical testing. Allele origin: germline.

PreventionGenetics, part of Exact Sciences
Classification: Benign for HIRA-related condition. Last evaluated: 2019-11-11. Review status: no assertion criteria provided. Collection method: clinical testing. Allele origin: germline. Not counted in ClinVar's aggregate classification.
Comment: This variant is classified as benign based on ACMG/AMP sequence variant interpretation guidelines (Richards et al. 2015 PMID: 25741868, with internal and published modifications).